The following is an entry in ClinVar:

ClinVar aggregate classification (germline): Uncertain significance (1 of 4 stars; one submission).

Submission:

GeneDx
Classification: Uncertain significance. Last evaluated: 2024-12-31. Review status: criteria provided, single submitter. Criteria: GeneDx Variant Classification Process June 2021. Collection method: clinical testing. Allele origin: germline. Affected: yes.
Comment: Not observed at significant frequency in large population cohorts (gnomAD); Missense variant in a gene in which most reported pathogenic variants are truncating/loss of function; Has not been previously published as pathogenic or benign to our knowledge; This variant is associated with the following publications: (PMID: 23975875)

NM_001267550.2(TTN):c.27799G>T (p.Val9267Phe)

Gene: TTN (titin; minus strand). Cytogenetic location: 2q31.2.
Variant type: single nucleotide variant.
Coding change: c.27799G>T on transcript NM_001267550.2 (MANE Select); coding-DNA position 27799, G replaced by T.
Protein change: p.Val9267Phe; replaces valine 9267 with phenylalanine.
Molecular consequence: missense variant. On other transcripts: intron variant (3).
Genome position (GRCh38, 1-based): chr2:178,712,031, C>A on the plus strand (G>T on the coding strand, the complement: TTN is on the minus strand). VCF-style: chr2-178712031-C-A. GRCh37 (hg19) VCF-style: chr2-179576758-C-A.
Other names: c.26848G>T, p.Val8950Phe (NM_001256850.1); c.24067G>T, p.Val8023Phe (NM_133378.4); c.13282+26051G>T (NM_003319.4); c.13858+26051G>T (NM_133437.4); c.13657+26051G>T (NM_133432.3); short protein forms V8023F, V8950F, V9267F.
Identifiers: ClinVar variation 3907934 (VCV003907934.1).